The following is an entry in ClinVar:

ClinVar aggregate classification (germline): Benign. Review status: criteria provided, multiple submitters, no conflicts (2 of 4 stars). 3 submissions from 3 submitters: Benign (2). 1 of the submissions does not count toward it. Last evaluated 2021-06-09.

Conditions:
PDIA3-related disorder. Also called: PDIA3-related condition.

Allele frequency attached by ClinVar (database versions not stated): 1000 Genomes Project 30x 0.38148; 1000 Genomes Project 0.38379; ESP Exome Variant Server 0.39430; TOPMed 0.39637; gnomAD 0.41520 and 0.42143; ExAC 0.49494; gnomAD exomes 0.50002 and 0.52499.
gnomAD v4.1: 771,309 of 1,502,440 alleles (51%); highest among the groups gnomAD compares: Admixed American, 55%; 206,733 homozygotes.

Submissions (3):

GeneDx
Classification: Benign. Last evaluated: 2021-06-09. Review status: criteria provided, single submitter. Criteria: GeneDx Variant Classification Process June 2021. Collection method: clinical testing. Allele origin: germline. Affected: yes.

Breakthrough Genomics
Classification: Benign. Review status: criteria provided, single submitter. Criteria: ACMG Guidelines, 2015. Collection method: not provided. Allele origin: germline. Inheritance: Unknown mechanism. Affected: yes.

PreventionGenetics, part of Exact Sciences
Classification: Benign for PDIA3-related condition. Last evaluated: 2019-10-17. Review status: no assertion criteria provided. Collection method: clinical testing. Allele origin: germline. Not counted in ClinVar's aggregate classification.
Comment: This variant is classified as benign based on ACMG/AMP sequence variant interpretation guidelines (Richards et al. 2015 PMID: 25741868, with internal and published modifications).

NM_005313.5(PDIA3):c.365-5C>T

Gene: PDIA3 (protein disulfide isomerase family A member 3; plus strand). Cytogenetic location: 15q15.3.
Variant type: single nucleotide variant.
Coding change: c.365-5C>T on transcript NM_005313.5 (MANE Select); 5 bases into the intron before coding-DNA position 365, C replaced by T.
Molecular consequence: intron variant.
Genome position (GRCh38, 1-based): chr15:43,761,419, C>T. VCF-style: chr15-43761419-C-T. GRCh37 (hg19) VCF-style: chr15-44053617-C-T.
Other names: c.365-5C>T (NM_005313.4).
Identifiers: ClinVar variation 1250388 (VCV001250388.5), dbSNP rs8040336, ClinGen allele CA7529607.